The following is an entry in ClinVar:

ClinVar aggregate classification (germline): Uncertain significance (1 of 4 stars; one submission).

Submission:

Women's Health and Genetics/Laboratory Corporation of America, LabCorp
Classification: Uncertain significance. Last evaluated: 2024-04-24. Review status: criteria provided, single submitter. Criteria: LabCorp Variant Classification Summary - May 2015. Collection method: clinical testing. Allele origin: germline.
Comment: Variant summary: TAF4 c.437_439dupTCG (p.Val146dup) results in an in-frame duplication that is predicted to duplicate one amino acid in the encoded protein. The variant allele was found at a frequency of 1.2e-06 in 829596 control chromosomes. The available data on variant occurrences in the general population are insufficient to allow any conclusion about variant significance. To our knowledge, no occurrence of c.437_439dupTCG in individuals affected with Intellectual Developmental Disorder, Autosomal Dominant 73 and no experimental evidence demonstrating its impact on protein function have been reported. No submitters have cited clinical-significance assessments for this variant to ClinVar. Based on the evidence outlined above, the variant was classified as uncertain significance.

NM_003185.4(TAF4):c.437_439dup (p.Val146_Ala147insVal)

Gene: TAF4 (TATA-box binding protein associated factor 4; minus strand). Cytogenetic location: 20q13.33.
Variant type: Duplication.
Coding change: c.437_439dup on transcript NM_003185.4 (MANE Select); coding-DNA positions 437 to 439, 3 bases duplicated (TCG; older notation c.437_439dupTCG).
Protein change: p.Val146_Ala147insVal.
Molecular consequence: inframe insertion.
Genome position (GRCh38, 1-based): chr20:62,065,372-62,065,374, CGA duplicated on the plus strand (TCG on the coding strand, the reverse complement: TAF4 is on the minus strand); duplicating any 3 consecutive bases within chr20:62,065,372-62,065,376 gives the same sequence; the c. name uses the placement nearest the transcript's 3' end. VCF-style (leftmost placement, unchanged base first): chr20-62065371-G-GCGA. GRCh37 (hg19) VCF-style: chr20-60640427-G-GCGA.
Other names: c.437_439dupTCG (NM_003185.4).
Identifiers: ClinVar variation 3251746 (VCV003251746.1), dbSNP rs2056124051.